The following is an entry in ClinVar:

NM_021222.3(PRUNE1):c.478dup (p.Ala160fs)

Gene: PRUNE1 (prune exopolyphosphatase 1; plus strand). Cytogenetic location: 1q21.3.
Variant type: Duplication.
Coding change: c.478dup on transcript NM_021222.3 (MANE Select); coding-DNA position 478, one base duplicated (G; older notation c.478dupG).
Protein change: p.Ala160fs; shifts the reading frame from alanine 160.
Molecular consequence: frameshift variant. On other transcripts: 5 prime UTR variant (1), intron variant (1).
Genome position (GRCh38, 1-based): chr1:151,024,753, G duplicated; the last of 5 consecutive G bases (chr1:151,024,749-151,024,753); duplicating any one gives the same sequence. VCF-style (leftmost placement, unchanged base first): chr1-151024748-A-AG. GRCh37 (hg19) VCF-style: chr1-150997224-A-AG.
Other names: c.-69dup (NM_001303229.2); c.478dup, p.Ala160fs (NM_001303242.2); c.77-2480dup (NM_001303243.2); short protein forms A160fs.
Identifiers: ClinVar variation 4852639 (VCV004852639.2).

ClinVar aggregate classification (germline): Likely pathogenic (1 of 4 stars; one submission).

Submission:

Dasa
Classification: Likely pathogenic. Last evaluated: 2025-03-08. Review status: criteria provided, single submitter. Criteria: DASA Assertion Criteria. Collection method: clinical testing. Allele origin: germline.
Comment: NM_021222.3(PRUNE1):c.478dup (p.Ala160Glyfs*27) is a frameshift variant in PRUNE1 predicted to alter the reading frame and introduce a premature termination codon and is predicted to result in an absent or altered protein product. Loss of function is an established disease mechanism for PRUNE1-associated disorders. Also, this variant is rare in population databases. Based on the currently available evidence, this variant is classified as likely pathogenic.